The following is an entry in ClinVar:

NM_004006.3(DMD):c.3254A>C (p.Lys1085Thr)

Gene: DMD (dystrophin; minus strand). Cytogenetic location: Xp21.1.
Variant type: single nucleotide variant.
Coding change: c.3254A>C on transcript NM_004006.3 (MANE Select); coding-DNA position 3254, A replaced by C.
Protein change: p.Lys1085Thr; replaces lysine 1085 with threonine.
Molecular consequence: missense variant.
Genome position (GRCh38, 1-based): chrX:32,464,608, T>G on the plus strand (A>C on the coding strand, the complement: DMD is on the minus strand). VCF-style: chrX-32464608-T-G. GRCh37 (hg19) VCF-style: chrX-32482725-T-G.
Other names: c.3230A>C, p.Lys1077Thr (NM_000109.4); c.3242A>C, p.Lys1081Thr (NM_004009.3); c.2885A>C, p.Lys962Thr (NM_004010.3); short protein forms K1077T, K1085T, K962T, K1081T.
Identifiers: ClinVar variation 2006023 (VCV002006023.4), dbSNP rs2148427430, ClinGen allele CA412664777.

ClinVar aggregate classification (germline): Uncertain significance (1 of 4 stars; one submission).

Conditions:
Duchenne muscular dystrophy (DMD). Also called: MUSCULAR DYSTROPHY, PSEUDOHYPERTROPHIC PROGRESSIVE, DUCHENNE TYPE; Duchenne Muscular Dystrophy (DMD). Identifiers: Orphanet 98896, MedGen C0013264, MONDO:0010679, OMIM 310200.

Submission:

Labcorp Genetics (formerly Invitae), Labcorp
Classification: Uncertain significance for Duchenne muscular dystrophy. Last evaluated: 2022-09-27. Review status: criteria provided, single submitter. Criteria: Invitae Variant Classification Sherloc (09022015). Collection method: clinical testing. Allele origin: germline.
Comment: In summary, the available evidence is currently insufficient to determine the role of this variant in disease. Therefore, it has been classified as a Variant of Uncertain Significance. Advanced modeling of protein sequence and biophysical properties (such as structural, functional, and spatial information, amino acid conservation, physicochemical variation, residue mobility, and thermodynamic stability) performed at Invitae indicates that this missense variant is not expected to disrupt DMD protein function. This variant has not been reported in the literature in individuals affected with DMD-related conditions. This variant is not present in population databases (gnomAD no frequency). This sequence change replaces lysine, which is basic and polar, with threonine, which is neutral and polar, at codon 1085 of the DMD protein (p.Lys1085Thr).